The following is an entry in ClinVar:

NM_001134363.3(RBM20):c.2740G>C (p.Val914Leu)

Gene: RBM20 (RNA binding motif protein 20; plus strand). Cytogenetic location: 10q25.2.
Variant type: single nucleotide variant.
Coding change: c.2740G>C on transcript NM_001134363.3 (MANE Select); coding-DNA position 2740, G replaced by C.
Protein change: p.Val914Leu; replaces valine 914 with leucine.
Molecular consequence: missense variant.
Genome position (GRCh38, 1-based): chr10:110,821,359, G>C. VCF-style: chr10-110821359-G-C. GRCh37 (hg19) VCF-style: chr10-112581117-G-C.
Other names: short protein forms V914L.
Identifiers: ClinVar variation 1305094 (VCV001305094.2), dbSNP rs2135120928, ClinGen allele CA378377398.

ClinVar aggregate classification (germline): Uncertain significance (1 of 4 stars; one submission).

Submission:

GeneDx
Classification: Uncertain significance. Last evaluated: 2019-04-08. Review status: criteria provided, single submitter. Criteria: GeneDx Variant Classification Process June 2021. Collection method: clinical testing. Allele origin: germline. Affected: yes.
Comment: Has not been previously published as pathogenic or benign to our knowledge; Not observed in large population cohorts (Lek et al., 2016); In silico analysis, which includes protein predictors and evolutionary conservation, supports that this variant does not alter protein structure/function